The following is an entry in ClinVar:

NM_015189.3(EXOC6B):c.1411C>T (p.Gln471Ter)

Gene: EXOC6B (exocyst complex component 6B; minus strand). Cytogenetic location: 2p13.2.
Variant type: single nucleotide variant.
Coding change: c.1411C>T on transcript NM_015189.3 (MANE Select); coding-DNA position 1411, C replaced by T.
Protein change: p.Gln471Ter; replaces glutamine 471 with a stop codon.
Molecular consequence: nonsense. On other transcripts: non-coding transcript variant (2).
Genome position (GRCh38, 1-based): chr2:72,496,486, G>A on the plus strand (C>T on the coding strand, the complement: EXOC6B is on the minus strand). VCF-style: chr2-72496486-G-A. GRCh37 (hg19) VCF-style: chr2-72723615-G-A.
Other names: c.1411C>T, p.Gln471Ter (NM_001321729.2, NM_001321730.2, NM_001321731.2 and 1 more transcripts); c.1072C>T, p.Gln358Ter (NM_001321734.2); short protein forms Q471*, Q358*.
Identifiers: ClinVar variation 2714435 (VCV002714435.3), dbSNP rs2467737048, ClinGen allele CA347429519.
Genomic context (GRCh38, chr2:72,496,486, plus strand): 5'-GAGAAATTTATTTTAAAGTATTCCTTACCTTTTCCAGTTCTATATCTTGAAATGGGAATT[G>A]TCCTACCACCTTTTTGTACATCTCTTCACTTGTTACTGGTATAGGACTGTAGTTGTCAGA-3'

ClinVar aggregate classification (germline): Pathogenic (1 of 4 stars; one submission).

gnomAD v4.1: 1 of 1,600,122 alleles (0.000062%); highest among the groups gnomAD compares: Non-Finnish European, 0.000085%; no homozygotes.

Submission:

Labcorp Genetics (formerly Invitae), Labcorp
Classification: Pathogenic. Last evaluated: 2025-03-03. Review status: criteria provided, single submitter. Criteria: Invitae Variant Classification Sherloc (09022015). Collection method: clinical testing. Allele origin: germline.
Comment: This sequence change creates a premature translational stop signal (p.Gln471*) in the EXOC6B gene. It is expected to result in an absent or disrupted protein product. Loss-of-function variants in EXOC6B are known to be pathogenic (PMID: 26669664, 36150098). This variant is not present in population databases (gnomAD no frequency). This variant has not been reported in the literature in individuals affected with EXOC6B-related conditions. ClinVar contains an entry for this variant (Variation ID: 2714435). For these reasons, this variant has been classified as Pathogenic.

Literature cited by the submitters: PubMed 26669664; PubMed 36150098.